The following is an entry in ClinVar:

ClinVar aggregate classification (germline): Uncertain significance (1 of 4 stars; one submission).

Conditions:
Autosomal recessive limb-girdle muscular dystrophy type 2C (LGMDR5). Also called: MUSCULAR DYSTROPHY, DUCHENNE-LIKE; MUSCULAR DYSTROPHY, LIMB-GIRDLE, AUTOSOMAL RECESSIVE 5. Identifiers: Orphanet 353, MedGen C0410173, MONDO:0009677, OMIM 253700. Disease mechanism: Affects gamma-sarcoglycan and also disrupts the integrity of the entire sarcoglycan complex..

Allele frequency attached by ClinVar (database versions not stated): gnomAD 0.00001.
gnomAD v4.1: 1 of 1,612,246 alleles (0.000062%); highest among the groups gnomAD compares: African/African-American, 0.0013%; no homozygotes.

Submission:

Labcorp Genetics (formerly Invitae), Labcorp
Classification: Uncertain significance for Severe autosomal recessive muscular dystrophy of childhood - North African type. Last evaluated: 2020-01-03. Review status: criteria provided, single submitter. Criteria: Invitae Variant Classification Sherloc (09022015). Collection method: clinical testing. Allele origin: germline.
Comment: This sequence change falls in intron 5 of the SGCG gene. It does not directly change the encoded amino acid sequence of the SGCG protein, but it affects a nucleotide within the consensus splice site of the intron. This variant is not present in population databases (ExAC no frequency). This variant has not been reported in the literature in individuals with SGCG-related conditions. Nucleotide substitutions within the consensus splice site are a relatively common cause of aberrant splicing (PMID: 17576681, 9536098). Algorithms developed to predict the effect of sequence changes on RNA splicing suggest that this variant may disrupt the consensus splice site, but this prediction has not been confirmed by published transcriptional studies. In summary, the available evidence is currently insufficient to determine the role of this variant in disease. Therefore, it has been classified as a Variant of Uncertain Significance.

NM_000231.3(SGCG):c.505+3A>G

Gene: SGCG (sarcoglycan gamma; plus strand). Cytogenetic location: 13q12.12.
Variant type: single nucleotide variant.
Coding change: c.505+3A>G on transcript NM_000231.3 (MANE Select); 3 bases into the intron after coding-DNA position 505, A replaced by G.
Molecular consequence: intron variant.
Genome position (GRCh38, 1-based): chr13:23,279,481, A>G. VCF-style: chr13-23279481-A-G. GRCh37 (hg19) VCF-style: chr13-23853620-A-G.
Other names: c.559+3A>G (NM_001378244.1); c.505+3A>G (NM_001378245.1, NM_001378246.1).
Identifiers: ClinVar variation 860662 (VCV000860662.1), dbSNP rs1881219940, ClinGen allele CA916080512.
Genomic context (GRCh38, chr13:23,279,481, plus strand): 5'-CTATTTACTGTAGATGAGAAGGAAGTTGTGGTTGGTACAGATAAACTTCGAGTAACTGGT[A>G]TGTACTAACTCGAGAAAAACACAACATTCCATGGAGTACACATCTGCAAAAACACATTGT-3'